The following is an entry in ClinVar:

NM_032638.5(GATA2):c.1300G>C (p.Ala434Pro)

Gene: GATA2 (GATA binding protein 2; minus strand). Cytogenetic location: 3q21.3.
Variant type: single nucleotide variant.
Coding change: c.1300G>C on transcript NM_032638.5 (MANE Select); coding-DNA position 1300, G replaced by C.
Protein change: p.Ala434Pro; replaces alanine 434 with proline.
Molecular consequence: missense variant.
Genome position (GRCh38, 1-based): chr3:128,481,162, C>G on the plus strand (G>C on the coding strand, the complement: GATA2 is on the minus strand). VCF-style: chr3-128481162-C-G. GRCh37 (hg19) VCF-style: chr3-128200005-C-G.
Other names: c.1300G>C, p.Ala434Pro (NM_001145661.2); c.1258G>C, p.Ala420Pro (NM_001145662.1); short protein forms A434P, A420P.
Identifiers: ClinVar variation 656010 (VCV000656010.9), dbSNP rs1576744335, ClinGen allele CA354412821.
Genomic context (GRCh38, chr3:128,481,162, plus strand): 5'-GCAGGATGTGTCCGGAGTGGCTGAAGGGCGGGAGGTGGCCCACAGGTGCCATGTGTCCAG[C>G]CAGGGCAGCTGCACTGAAGGGGGATGACTTCTCCTGCATGCACTTTGACAGCTCCTCGAA-3'
Protein context (NP_116027.2, residues 424-444): KSSPFSAAAL[Ala434Pro]GHMAPVGHLP

ClinVar aggregate classification (germline): Uncertain significance. Review status: criteria provided, multiple submitters, no conflicts (2 of 4 stars). 2 submissions from 2 submitters: Uncertain significance (2). Last evaluated 2025-07-02.

Conditions:
Inborn genetic diseases. Identifiers: MedGen C0950123, MeSH D030342.
Monocytopenia with susceptibility to infections. Also called: IMMUNODEFICIENCY 21; GATA2 DEFICIENCY; MONOCYTOPENIA AND MYCOBACTERIAL INFECTION SYNDROME; MONOCYTOPENIA WITH SUSCEPTIBILITY TO MYCOBACTERIAL, FUNGAL, AND PAPILLOMAVIRUS INFECTIONS AND MYELODYSPLASIA; COMBINED IMMUNODEFICIENCY WITH SUSCEPTIBILITY TO MYCOBACTERIAL, VIRAL, AND FUNGAL INFECTIONS; Dendritic cell, monocyte, B lymphocyte, and natural killer lymphocyte deficiency. Identifiers: Orphanet 228423, MedGen C3280030, MONDO:0013607, OMIM 614172.
Deafness-lymphedema-leukemia syndrome. Also called: Lymphedema, primary, with myelodysplasia; Emberger syndrome. Identifiers: Orphanet 3226, MedGen C3279664, MONDO:0013540, OMIM 614038.

Submissions (2):

Ambry Genetics
Classification: Uncertain significance for Inborn genetic diseases. Last evaluated: 2025-07-02. Review status: criteria provided, single submitter. Criteria: Ambry Variant Classification Scheme 2023. Collection method: clinical testing. Allele origin: germline.
Comment: The p.A434P variant (also known as c.1300G>C), located in coding exon 5 of the GATA2 gene, results from a G to C substitution at nucleotide position 1300. The alanine at codon 434 is replaced by proline, an amino acid with highly similar properties. This amino acid position is well conserved in available vertebrate species. In addition, this alteration is predicted to be deleterious by in silico analysis. Based on the available evidence, the clinical significance of this variant remains unclear.

Labcorp Genetics (formerly Invitae), Labcorp
Classification: Uncertain significance for Monocytopenia with susceptibility to infections; Deafness-lymphedema-leukemia syndrome. Last evaluated: 2024-06-13. Review status: criteria provided, single submitter. Criteria: Invitae Variant Classification Sherloc (09022015). Collection method: clinical testing. Allele origin: germline.
Comment: This sequence change replaces alanine, which is neutral and non-polar, with proline, which is neutral and non-polar, at codon 434 of the GATA2 protein (p.Ala434Pro). This variant is not present in population databases (gnomAD no frequency). This variant has not been reported in the literature in individuals affected with GATA2-related conditions. ClinVar contains an entry for this variant (Variation ID: 656010). Advanced modeling of protein sequence and biophysical properties (such as structural, functional, and spatial information, amino acid conservation, physicochemical variation, residue mobility, and thermodynamic stability) has been performed at Invitae for this missense variant, however the output from this modeling did not meet the statistical confidence thresholds required to predict the impact of this variant on GATA2 protein function. In summary, the available evidence is currently insufficient to determine the role of this variant in disease. Therefore, it has been classified as a Variant of Uncertain Significance.